The following is an entry in ClinVar:

NM_172362.3(KCNH1):c.2347G>A (p.Val783Met)

Gene: KCNH1 (potassium voltage-gated channel subfamily H member 1; minus strand). Cytogenetic location: 1q32.2.
Variant type: single nucleotide variant.
Coding change: c.2347G>A on transcript NM_172362.3 (MANE Select); coding-DNA position 2347, G replaced by A.
Protein change: p.Val783Met; replaces valine 783 with methionine.
Molecular consequence: missense variant.
Genome position (GRCh38, 1-based): chr1:210,683,904, C>T on the plus strand (G>A on the coding strand, the complement: KCNH1 is on the minus strand). VCF-style: chr1-210683904-C-T. GRCh37 (hg19) VCF-style: chr1-210857246-C-T.
Other names: c.2266G>A, p.Val756Met (NM_002238.4); short protein forms V756M, V783M.
Identifiers: ClinVar variation 1628353 (VCV001628353.10), dbSNP rs139735688, ClinGen allele CA1379695.

ClinVar aggregate classification (germline): Likely benign. Review status: criteria provided, multiple submitters, no conflicts (2 of 4 stars). 3 submissions from 3 submitters: Likely benign (3). Last evaluated 2026-09-01.

Allele frequency attached by ClinVar (database versions not stated): ESP Exome Variant Server 0.00008; gnomAD 0.00008 and 0.00009; ExAC 0.00011; gnomAD exomes 0.00011 and 0.00019; TOPMed 0.00013.
gnomAD v4.1: 288 of 1,613,330 alleles (0.018%); highest among the groups gnomAD compares: Non-Finnish European, 0.021%; no homozygotes.

Submissions (3):

CeGaT Center for Human Genetics Tuebingen
Classification: Likely benign. Last evaluated: 2026-09-01. Review status: criteria provided, single submitter. Criteria: CeGaT Center For Human Genetics Tuebingen Variant Classification Criteria Version 2. Collection method: clinical testing. Allele origin: germline. Affected: yes. Observed: 1 variant allele.
Comment: KCNH1: BS2

Labcorp Genetics (formerly Invitae), Labcorp
Classification: Likely benign. Last evaluated: 2025-09-24. Review status: criteria provided, single submitter. Criteria: Invitae Variant Classification Sherloc (09022015). Collection method: clinical testing. Allele origin: germline.

ARUP Laboratories, Molecular Genetics and Genomics, ARUP Laboratories
Classification: Likely benign. Last evaluated: 2024-11-01. Review status: criteria provided, single submitter. Criteria: ARUP Molecular Germline Variant Investigation Process 2024. Collection method: clinical testing. Allele origin: germline.